The following is an entry in ClinVar:

NM_001184.4(ATR):c.2976+3A>G

Gene: ATR (ATR checkpoint kinase; minus strand). Cytogenetic location: 3q23.
Variant type: single nucleotide variant.
Coding change: c.2976+3A>G on transcript NM_001184.4 (MANE Select); 3 bases into the intron after coding-DNA position 2976, A replaced by G.
Molecular consequence: intron variant.
Genome position (GRCh38, 1-based): chr3:142,550,129, T>C on the plus strand (A>G on the coding strand, the complement: ATR is on the minus strand). VCF-style: chr3-142550129-T-C. GRCh37 (hg19) VCF-style: chr3-142268971-T-C.
Other names: c.2784+3A>G (NM_001354579.2).
Identifiers: ClinVar variation 961166 (VCV000961166.5), dbSNP rs758127607, ClinGen allele CA2650239.
Genomic context (GRCh38, chr3:142,550,129, plus strand): 5'-CTAGAATGGAATGAACAAAATACTGAATTGCAAACCTCAAGTGAACTATATGTTGCAACT[T>C]ACAGTAAGAAAACGATTAAGATCAGGAAAGTCGAAAACGTTGGCAATTTCAGACAACGTA-3'

ClinVar aggregate classification (germline): Uncertain significance (1 of 4 stars; one submission).

Allele frequency attached by ClinVar (database versions not stated): gnomAD exomes below 0.00001 and 0.00001; TOPMed 0.00001; ExAC 0.00002.

Submission:

Labcorp Genetics (formerly Invitae), Labcorp
Classification: Uncertain significance. Last evaluated: 2019-08-16. Review status: criteria provided, single submitter. Criteria: Invitae Variant Classification Sherloc (09022015). Collection method: clinical testing. Allele origin: germline.
Comment: In summary, the available evidence is currently insufficient to determine the role of this variant in disease. Therefore, it has been classified as a Variant of Uncertain Significance. Nucleotide substitutions within the consensus splice site are a relatively common cause of aberrant splicing (PMID: 17576681, 9536098). Algorithms developed to predict the effect of sequence changes on RNA splicing suggest that this variant is not likely to affect RNA splicing, but this prediction has not been confirmed by published transcriptional studies. This variant has not been reported in the literature in individuals with ATR-related conditions. This variant is present in population databases (rs758127607, ExAC 0.02%). This sequence change falls in intron 14 of the ATR gene. It does not directly change the encoded amino acid sequence of the ATR protein, but it affects a nucleotide within the consensus splice site of the intron.

Literature cited by the submitters: PubMed 17576681; PubMed 9536098.